The following is an entry in ClinVar:

ClinVar aggregate classification (germline): Conflicting classifications of pathogenicity. Review status: criteria provided, conflicting classifications (1 of 4 stars). 2 submissions from 2 submitters: Uncertain significance (1); Likely benign (1). Last evaluated 2025-09-22.

Conditions:
Hereditary cancer-predisposing syndrome. Also called: Neoplastic Syndromes, Hereditary; Tumor predisposition; Hereditary neoplastic syndrome; Hereditary Cancer Syndrome. Identifiers: Orphanet 140162, MedGen C0027672, MeSH D009386, MONDO:0015356.
Gorlin syndrome. Also called: Nevoid Basal Cell Carcinoma Syndrome; Basal cell nevus syndrome. Identifiers: Orphanet 377, MedGen C0004779, MONDO:0007187.

Allele frequency attached by ClinVar (database versions not stated): ExAC 0.00001; gnomAD 0.00001; 1000 Genomes Project 30x 0.00016; 1000 Genomes Project 0.00020.
gnomAD v4.1: 1 of 1,614,116 alleles (0.000062%); highest among the groups gnomAD compares: Non-Finnish European, 0.000085%; no homozygotes.

Submissions (2):

Labcorp Genetics (formerly Invitae), Labcorp
Classification: Likely benign for Gorlin syndrome. Last evaluated: 2025-09-22. Review status: criteria provided, single submitter. Criteria: Invitae Variant Classification Sherloc (09022015). Collection method: clinical testing. Allele origin: germline.

Ambry Genetics
Classification: Uncertain significance for Hereditary cancer-predisposing syndrome. Last evaluated: 2021-09-29. Review status: criteria provided, single submitter. Criteria: Ambry Variant Classification Scheme 2023. Collection method: clinical testing. Allele origin: germline.
Comment: The p.V419M variant (also known as c.1255G>A), located in coding exon 9 of the PTCH1 gene, results from a G to A substitution at nucleotide position 1255. The valine at codon 419 is replaced by methionine, an amino acid with highly similar properties. This amino acid position is highly conserved in available vertebrate species. In addition, this alteration is predicted to be deleterious by in silico analysis. Since supporting evidence is limited at this time, the clinical significance of this alteration remains unclear.

NM_000264.5(PTCH1):c.1255G>A (p.Val419Met)

Gene: PTCH1 (patched 1; minus strand). Cytogenetic location: 9q22.32.
Variant type: single nucleotide variant.
Coding change: c.1255G>A on transcript NM_000264.5 (MANE Select); coding-DNA position 1255, G replaced by A.
Protein change: p.Val419Met; replaces valine 419 with methionine.
Molecular consequence: missense variant. On other transcripts: non-coding transcript variant (1).
Genome position (GRCh38, 1-based): chr9:95,478,147, C>T on the plus strand (G>A on the coding strand, the complement: PTCH1 is on the minus strand). VCF-style: chr9-95478147-C-T. GRCh37 (hg19) VCF-style: chr9-98240429-C-T.
Other names: c.1057G>A, p.Val353Met (NM_001083602.3); c.1252G>A, p.Val418Met (NM_001083603.3); c.802G>A, p.Val268Met (NM_001083604.3, NM_001083605.3, NM_001083606.3 and 1 more transcripts); c.1255G>A, p.Val419Met (NM_001354918.2); short protein forms V353M, V418M, V268M, V419M.
Identifiers: ClinVar variation 1761735 (VCV001761735.5), dbSNP rs202136156, ClinGen allele CA5138712.